The following is an entry in ClinVar:

NM_000256.3(MYBPC3):c.1721G>T (p.Arg574Leu)

Gene: MYBPC3 (myosin binding protein C3; minus strand). Cytogenetic location: 11p11.2.
Variant type: single nucleotide variant.
Coding change: c.1721G>T on transcript NM_000256.3 (MANE Select); coding-DNA position 1721, G replaced by T.
Protein change: p.Arg574Leu; replaces arginine 574 with leucine.
Molecular consequence: missense variant.
Genome position (GRCh38, 1-based): chr11:47,342,060, C>A on the plus strand (G>T on the coding strand, the complement: MYBPC3 is on the minus strand). VCF-style: chr11-47342060-C-A. GRCh37 (hg19) VCF-style: chr11-47363611-C-A.
Other names: p.Arg574Leu; short protein forms R574L.
Identifiers: ClinVar variation 919864 (VCV000919864.13), dbSNP rs397515922, ClinGen allele CA380324296.

ClinVar aggregate classification (germline): Uncertain significance. Review status: criteria provided, multiple submitters, no conflicts (2 of 4 stars). 3 submissions from 3 submitters: Uncertain significance (3). Last evaluated 2024-09-17.

Conditions:
Cardiomyopathy (CMYO). Also called: Cardiomyopathies. Identifiers: Orphanet 167848, MedGen C0878544, MONDO:0004994, HP:0001638. Inheritance: Various modes of inheritance.
Hypertrophic cardiomyopathy. Also called: HYPERTROPHIC MYOCARDIOPATHY. Identifiers: Orphanet 217569, MedGen C0007194, MeSH D002312, MONDO:0005045, HP:0001639.

gnomAD v4.1: 7 of 1,612,656 alleles (0.00043%); highest among the groups gnomAD compares: Non-Finnish European, 0.00059%; no homozygotes.

Submissions (3):

Mayo Clinic Laboratories, Mayo Clinic
Classification: Uncertain significance. Last evaluated: 2024-09-17. Review status: criteria provided, single submitter. Criteria: ACMG Guidelines, 2015. Collection method: clinical testing. Allele origin: germline. Observed: 1 variant allele.
Comment: BP4, PM2

Color Diagnostics, LLC DBA Color Health
Classification: Uncertain significance for Cardiomyopathy. Last evaluated: 2024-03-06. Review status: criteria provided, single submitter. Criteria: ACMG Guidelines, 2015. Collection method: clinical testing. Allele origin: germline.
Comment: This missense variant replaces arginine with leucine at codon 574 of the MYBPC3 protein. Computational prediction suggests that this variant may not impact protein structure and function (internally defined REVEL score threshold <= 0.5, PMID: 27666373). Splice site prediction tools suggest that this variant may not impact RNA splicing. To our knowledge, functional studies have not been performed for this variant. This variant has not been reported in individuals affected with cardiovascular disorders in the literature. This variant has been identified in 3/246528 chromosomes in the general population by the Genome Aggregation Database (gnomAD). The available evidence is insufficient to determine the role of this variant in disease conclusively. Therefore, this variant is classified as a Variant of Uncertain Significance.

Labcorp Genetics (formerly Invitae), Labcorp
Classification: Uncertain significance for Hypertrophic cardiomyopathy. Last evaluated: 2023-04-22. Review status: criteria provided, single submitter. Criteria: Invitae Variant Classification Sherloc (09022015). Collection method: clinical testing. Allele origin: germline.
Comment: The frequency data for this variant in the population databases is considered unreliable, as metrics indicate poor data quality at this position in the gnomAD database. This sequence change replaces arginine, which is basic and polar, with leucine, which is neutral and non-polar, at codon 574 of the MYBPC3 protein (p.Arg574Leu). This variant has not been reported in the literature in individuals affected with MYBPC3-related conditions. ClinVar contains an entry for this variant (Variation ID: 919864). An algorithm developed to predict the effect of missense changes on protein structure and function (PolyPhen-2) suggests that this variant is likely to be disruptive. In summary, the available evidence is currently insufficient to determine the role of this variant in disease. Therefore, it has been classified as a Variant of Uncertain Significance.